The following is an entry in ClinVar:

ClinVar aggregate classification (germline): Benign (1 of 4 stars; one submission).

Conditions:
Hyperornithinemia-hyperammonemia-homocitrullinuria syndrome (HHHS). Also called: HHH SYNDROME; Ornithine translocase deficiency. Identifiers: Orphanet 415, MedGen C0268540, MONDO:0009393, OMIM 238970.

Allele frequency attached by ClinVar (database versions not stated): gnomAD 0.03453 and 0.03870; TOPMed 0.03833; 1000 Genomes Project 30x 0.08401; 1000 Genomes Project 0.08526.
gnomAD v4.1: 5,858 of 152,270 alleles (3.8%); highest among the groups gnomAD compares: East Asian, 15%; 260 homozygotes.

Submission:

Illumina Laboratory Services, Illumina
Classification: Benign for Hyperornithinemia-hyperammonemia-homocitrullinuria syndrome. Last evaluated: 2018-01-13. Review status: criteria provided, single submitter. Criteria: ICSL Variant Classification Criteria 13 December 2019. Collection method: clinical testing. Allele origin: germline.
Comment: This variant was observed in the ICSL laboratory as part of a predisposition screen in an ostensibly healthy population. It had not been previously curated by ICSL or reported in the Human Gene Mutation Database (HGMD: prior to June 1st, 2018), and was therefore a candidate for classification through an automated scoring system. Utilizing variant allele frequency, disease prevalence and penetrance estimates, and inheritance mode, an automated score was calculated to assess if this variant is too frequent to cause the disease. Based on the score and internal cut-off values, a variant classified as benign is not then subjected to further curation. The score for this variant resulted in a classification of benign for this disease.

NM_014252.4(SLC25A15):c.*2097T>A

Gene: SLC25A15 (solute carrier family 25 member 15; plus strand). Cytogenetic location: 13q14.11.
Variant type: single nucleotide variant.
Coding change: c.*2097T>A on transcript NM_014252.4 (MANE Select); 2097 bases downstream of the stop codon, T replaced by A.
Molecular consequence: 3 prime UTR variant.
Genome position (GRCh38, 1-based): chr13:40,811,764, T>A. VCF-style: chr13-40811764-T-A. GRCh37 (hg19) VCF-style: chr13-41385900-T-A.
Identifiers: ClinVar variation 312213 (VCV000312213.5), dbSNP rs17592947, ClinGen allele CA10644563.